The following is an entry in ClinVar:

ClinVar aggregate classification (germline): Likely benign (1 of 4 stars; one submission).

Conditions:
Laron-type isolated somatotropin defect. Also called: Laron Syndrome; Growth hormone binding protein deficiency or dysfunction; Growth hormone receptor deficiency or dysfunction; Laron dwarfism; Laron type pituitary dwarfism I; GROWTH HORMONE RECEPTOR DEFICIENCY. Identifiers: Orphanet 633, MedGen C0271568, MONDO:0009877, OMIM 262500.

Allele frequency attached by ClinVar (database versions not stated): gnomAD 0.00053 and 0.00063; TOPMed 0.00053; 1000 Genomes Project 0.00100; 1000 Genomes Project 30x 0.00141.

Submission:

Illumina Laboratory Services, Illumina
Classification: Likely benign for Laron-type isolated somatotropin defect. Last evaluated: 2018-01-12. Review status: criteria provided, single submitter. Criteria: ICSL Variant Classification Criteria 13 December 2019. Collection method: clinical testing. Allele origin: germline.
Comment: This variant was observed in the ICSL laboratory as part of a predisposition screen in an ostensibly healthy population. It had not been previously curated by ICSL or reported in the Human Gene Mutation Database (HGMD: prior to June 1st, 2018), and was therefore a candidate for classification through an automated scoring system. Utilizing variant allele frequency, disease prevalence and penetrance estimates, and inheritance mode, an automated score was calculated to assess if this variant is too frequent to cause the disease. Based on the score and internal cut-off values, a variant classified as likely benign is not then subjected to further curation. The score for this variant resulted in a classification of likely benign for this disease.

NM_000163.5(GHR):c.*1611G>A

Gene: GHR (growth hormone receptor; plus strand). Cytogenetic location: 5p12.
Variant type: single nucleotide variant.
Coding change: c.*1611G>A on transcript NM_000163.5 (MANE Select); 1611 bases downstream of the stop codon, G replaced by A.
Molecular consequence: 3 prime UTR variant.
Genome position (GRCh38, 1-based): chr5:42,721,035, G>A. VCF-style: chr5-42721035-G-A. GRCh37 (hg19) VCF-style: chr5-42721137-G-A.
Other names: c.*1611G>A (NM_001242399.2, NM_001242400.2, NM_001242401.4 and 6 more transcripts); c.*2570G>A (NM_001242462.1).
Identifiers: ClinVar variation 904437 (VCV000904437.4), dbSNP rs543135249, ClinGen allele CA117806791.